The following is an entry in ClinVar:

NM_006734.4(HIVEP2):c.7216C>T (p.His2406Tyr)

Gene: HIVEP2 (HIVEP zinc finger 2; minus strand). Cytogenetic location: 6q24.2.
Variant type: single nucleotide variant.
Coding change: c.7216C>T on transcript NM_006734.4 (MANE Select); coding-DNA position 7216, C replaced by T.
Protein change: p.His2406Tyr; replaces histidine 2406 with tyrosine.
Molecular consequence: missense variant.
Genome position (GRCh38, 1-based): chr6:142,753,232, G>A on the plus strand (C>T on the coding strand, the complement: HIVEP2 is on the minus strand). VCF-style: chr6-142753232-G-A. GRCh37 (hg19) VCF-style: chr6-143074369-G-A.
Other names: short protein forms H2406Y.
Identifiers: ClinVar variation 2081132 (VCV002081132.29), dbSNP rs368977482, ClinGen allele CA4027553.

ClinVar aggregate classification (germline): Likely benign. Review status: criteria provided, multiple submitters, no conflicts (2 of 4 stars). 3 submissions from 3 submitters: Likely benign (3). Last evaluated 2025-03-27.

Conditions:
Inborn genetic diseases. Identifiers: MedGen C0950123, MeSH D030342.

Allele frequency attached by ClinVar (database versions not stated): ExAC 0.00002; gnomAD 0.00005; TOPMed 0.00006; ESP Exome Variant Server 0.00016.
gnomAD v4.1: 384 of 1,613,992 alleles (0.024%); highest among the groups gnomAD compares: Non-Finnish European, 0.032%; no homozygotes.

Submissions (3):

Labcorp Genetics (formerly Invitae), Labcorp
Classification: Likely benign. Last evaluated: 2025-03-27. Review status: criteria provided, single submitter. Criteria: Invitae Variant Classification Sherloc (09022015). Collection method: clinical testing. Allele origin: germline.

CeGaT Center for Human Genetics Tuebingen
Classification: Likely benign. Last evaluated: 2022-09-01. Review status: criteria provided, single submitter. Criteria: CeGaT Center For Human Genetics Tuebingen Variant Classification Criteria Version 2. Collection method: clinical testing. Allele origin: germline. Affected: yes. Observed: 1 variant allele.
Comment: HIVEP2: BP4, BS2

Ambry Genetics
Classification: Likely benign for Inborn genetic diseases. Last evaluated: 2021-06-15. Review status: criteria provided, single submitter. Criteria: Ambry Variant Classification Scheme 2023. Collection method: clinical testing. Allele origin: germline.